The following is an entry in ClinVar:

NM_000431.4(MVK):c.832G>A (p.Val278Met)

Gene: MVK (mevalonate kinase; plus strand). Cytogenetic location: 12q24.11.
Variant type: single nucleotide variant.
Coding change: c.832G>A on transcript NM_000431.4 (MANE Select); coding-DNA position 832, G replaced by A.
Protein change: p.Val278Met; replaces valine 278 with methionine.
Molecular consequence: missense variant.
Genome position (GRCh38, 1-based): chr12:109,591,304, G>A. VCF-style: chr12-109591304-G-A. GRCh37 (hg19) VCF-style: chr12-110029109-G-A.
Other names: c.832G>A, p.Val278Met (NM_001114185.3); c.676G>A, p.Val226Met (NM_001301182.2); c.832G>A (LRG_156t1); short protein forms V278M, V226M.
Identifiers: ClinVar variation 418346 (VCV000418346.8), dbSNP rs574045811, ClinGen allele CA6779388.
Genomic context (GRCh38, chr12:109,591,304, plus strand): 5'-CCAGAGATCGTGGCCCCCCTCCTGACCTCAATAGATGCCATCTCCCTGGAGTGTGAGCGC[G>A]TGCTGGGAGAGATGGGGGAAGCCCCAGCCCCGGAGCAGTACCTCGTGCTGGAAGTAAGAG-3'
Protein context (NP_000422.1, residues 268-288): IDAISLECER[Val278Met]LGEMGEAPAP

ClinVar aggregate classification (germline): Uncertain significance. Review status: criteria provided, multiple submitters, no conflicts (2 of 4 stars). 5 submissions from 5 submitters: Uncertain significance (5). Last evaluated 2025-08-31.

Conditions:
Inborn genetic diseases. Identifiers: MedGen C0950123, MeSH D030342.
Hyperimmunoglobulin D with periodic fever (HIDS). Also called: Hyperimmunoglobulinemia D; HYPERIMMUNOGLOBULINEMIA D AND PERIODIC FEVER SYNDROME; Hyperimmunoglobulinemia D with periodic fever. Identifiers: Orphanet 343, MedGen C0398691, MONDO:0009849, OMIM 260920.
Porokeratosis 3, disseminated superficial actinic type (POROK3). Also called: POROKERATOSIS, DISSEMINATED SUPERFICIAL ACTINIC, 1; POROKERATOSIS 3, MULTIPLE TYPES; POROKERATOSIS 3, MIBELLI TYPE. Identifiers: MedGen C1867981, MONDO:0008293, OMIM 175900.
Mevalonic aciduria (MEVA). Identifiers: Orphanet 29, MedGen C1959626, MONDO:0012481, OMIM 610377.

Allele frequency attached by ClinVar (database versions not stated): TOPMed 0.00001.
gnomAD v4.1: 42 of 1,614,072 alleles (0.0026%); highest among the groups gnomAD compares: East Asian, 0.025%; no homozygotes.

Submissions (5):

Ambry Genetics
Classification: Uncertain significance for Inborn genetic diseases. Last evaluated: 2025-08-31. Review status: criteria provided, single submitter. Criteria: Ambry Variant Classification Scheme 2023. Collection method: clinical testing. Allele origin: germline.

Labcorp Genetics (formerly Invitae), Labcorp
Classification: Uncertain significance for Mevalonic aciduria; Hyperimmunoglobulin D with periodic fever; Porokeratosis 3, disseminated superficial actinic type. Last evaluated: 2024-10-22. Review status: criteria provided, single submitter. Criteria: Invitae Variant Classification Sherloc (09022015). Collection method: clinical testing. Allele origin: germline.
Comment: This sequence change replaces valine, which is neutral and non-polar, with methionine, which is neutral and non-polar, at codon 278 of the MVK protein (p.Val278Met). This variant is present in population databases (rs574045811, gnomAD 0.03%). This variant has not been reported in the literature in individuals affected with MVK-related conditions. ClinVar contains an entry for this variant (Variation ID: 418346). An algorithm developed to predict the effect of missense changes on protein structure and function outputs the following: PolyPhen-2: "Benign". The methionine amino acid residue is found in multiple mammalian species, which suggests that this missense change does not adversely affect protein function. In summary, the available evidence is currently insufficient to determine the role of this variant in disease. Therefore, it has been classified as a Variant of Uncertain Significance.

Blueprint Genetics
Classification: Uncertain significance. Last evaluated: 2024-05-07. Review status: criteria provided, single submitter. Criteria: ACMG Guidelines, 2015. Collection method: clinical testing. Allele origin: germline.

Fulgent Genetics
Classification: Uncertain significance for Porokeratosis 3, disseminated superficial actinic type; Hyperimmunoglobulin D with periodic fever; Mevalonic aciduria. Last evaluated: 2022-05-18. Review status: criteria provided, single submitter. Criteria: ACMG Guidelines, 2015. Collection method: clinical testing. Allele origin: unknown.

GeneDx
Classification: Uncertain significance. Last evaluated: 2017-01-03. Review status: criteria provided, single submitter. Criteria: GeneDx Variant Classification (06012015). Collection method: clinical testing. Allele origin: germline. Affected: yes.
Comment: The V278M variant has not been published as a pathogenic variant, nor has it been reported as a benign variant to our knowledge. It was not observed in approximately 6,500 individuals of European and African American ancestry in the NHLBI Exome Sequencing Project, indicating it is not a common benign variant in these populations. V278M is a conservative amino acid substitution, which is not likely to impact secondary protein structure as these residues share similar properties. This substitution occurs at a position where amino acids with similar properties to Valine are tolerated across species. In silico analysis is inconsistent in its predictions as to whether or not the variant is damaging to the protein structure/function. Missense variants at the same codon (V278A) and in nearby residues (R277C/G/H, L279P) have been reported in the Human Gene Mutation Database in association with MVK-related disorders (Stenson et al., 2014), supporting the functional importance of this region of the protein. Therefore, based on the currently available information, it is unclear whether this variant is a pathogenic variant or a rare benign variant.